The following is an entry in ClinVar:

ClinVar aggregate classification (germline): Pathogenic (1 of 4 stars; one submission).

Submission:

Labcorp Genetics (formerly Invitae), Labcorp
Classification: Pathogenic. Last evaluated: 2023-08-04. Review status: criteria provided, single submitter. Criteria: Invitae Variant Classification Sherloc (09022015). Collection method: clinical testing. Allele origin: germline.
Comment: This sequence change creates a premature translational stop signal (p.Phe261Leufs*44) in the XPC gene. It is expected to result in an absent or disrupted protein product. Loss-of-function variants in XPC are known to be pathogenic (PMID: 23173980, 25256075). This variant is not present in population databases (gnomAD no frequency). This variant has not been reported in the literature in individuals affected with XPC-related conditions. For these reasons, this variant has been classified as Pathogenic.

Literature cited by the submitters: PubMed 23173980; PubMed 25256075.

NM_004628.5(XPC):c.783del (p.Phe261fs)

Gene: XPC (XPC complex subunit, DNA damage recognition and repair factor; minus strand). Cytogenetic location: 3p25.1.
Variant type: Deletion.
Coding change: c.783del on transcript NM_004628.5 (MANE Select); coding-DNA position 783, one base deleted (C; older notation c.783delC).
Protein change: p.Phe261fs; shifts the reading frame from phenylalanine 261.
Molecular consequence: frameshift variant. On other transcripts: non-coding transcript variant (2).
Genome position (GRCh38, 1-based): chr3:14,164,930, G deleted on the plus strand (C on the coding strand, the reverse complement: XPC is on the minus strand). VCF-style (leftmost placement, unchanged base first): chr3-14164929-TG-T. GRCh37 (hg19) VCF-style: chr3-14206429-TG-T.
Other names: c.204del, p.Phe68fs (NM_001354726.2); c.783del, p.Phe261fs (NM_001354727.2, NM_001354730.2); c.765del, p.Phe255fs (NM_001354729.2); short protein forms F255fs, F68fs, F261fs.
Identifiers: ClinVar variation 2743540 (VCV002743540.3), dbSNP rs2470278780, ClinGen allele CA2697550704.